The following is an entry in ClinVar:

NM_007294.4(BRCA1):c.4090A>G (p.Asn1364Asp)

Genes: BRCA1 (BRCA1 DNA repair associated; minus strand), LOC126862571 (BRD4-independent group 4 enhancer GRCh37_chr17:41243136-41244335; plus strand). Cytogenetic location: 17q21.31.
Variant type: single nucleotide variant.
Coding change: c.4090A>G on transcript NM_007294.4 (MANE Select); coding-DNA position 4090, A replaced by G.
Protein change: p.Asn1364Asp; replaces asparagine 1364 with aspartic acid.
Molecular consequence: missense variant. On other transcripts: intron variant (135).
Genome position (GRCh38, 1-based): chr17:43,091,441, T>C on the plus strand (A>G on the coding strand, the complement: BRCA1 is on the minus strand). VCF-style: chr17-43091441-T-C. GRCh37 (hg19) VCF-style: chr17-41243458-T-C.
Other names: c.3877A>G, p.Asn1293Asp (NM_001407571.1, NM_001407853.1, NM_001407894.1 and 9 more transcripts); c.4090A>G, p.Asn1364Asp (NM_001407581.1, NM_001407582.1, NM_001407583.1 and 30 more transcripts); c.4087A>G, p.Asn1363Asp (NM_001407587.1, NM_001407590.1, NM_001407591.1 and 22 more transcripts); c.4081A>G, p.Asn1361Asp (NM_001407646.1, NM_001407647.1); c.3967A>G, p.Asn1323Asp (NM_001407648.1, NM_001407664.1, NM_001407665.1 and 19 more transcripts); c.3964A>G, p.Asn1322Asp (NM_001407649.1, NM_001407670.1, NM_001407671.1 and 11 more transcripts); c.4012A>G, p.Asn1338Asp (NM_001407653.1, NM_001407654.1, NM_001407655.1 and 4 more transcripts); c.4009A>G, p.Asn1337Asp (NM_001407659.1, NM_001407660.1, NM_001407661.1 and 1 more transcripts); and 41 more; short protein forms N1068D, N1196D, N1236D, N1237D, N1252D, N1253D, N1275D, N1276D.
Identifiers: ClinVar variation 3609221 (VCV003609221.2).

ClinVar aggregate classification (germline): Uncertain significance (1 of 4 stars; one submission).

Conditions:
Hereditary breast ovarian cancer syndrome. Also called: Hereditary breast and ovarian cancer syndrome; Breast and ovarian cancer; Hereditary breast and ovarian cancer syndrome (HBOC); Hereditary breast and ovarian cancer; BRCA1- and BRCA2-Associated Hereditary Breast and Ovarian Cancer; Hereditary breast and/or ovarian cancer syndrome. Identifiers: Orphanet 145, MedGen C0677776, MeSH D061325, MONDO:0003582. Disease mechanism: loss of function.

Submission:

Labcorp Genetics (formerly Invitae), Labcorp
Classification: Uncertain significance for Hereditary breast ovarian cancer syndrome. Last evaluated: 2024-11-22. Review status: criteria provided, single submitter. Criteria: Invitae Variant Classification Sherloc (09022015). Collection method: clinical testing. Allele origin: germline.
Comment: This sequence change replaces asparagine, which is neutral and polar, with aspartic acid, which is acidic and polar, at codon 1364 of the BRCA1 protein (p.Asn1364Asp). This variant is not present in population databases (gnomAD no frequency). This variant has not been reported in the literature in individuals affected with BRCA1-related conditions. Invitae Evidence Modeling of protein sequence and biophysical properties (such as structural, functional, and spatial information, amino acid conservation, physicochemical variation, residue mobility, and thermodynamic stability) indicates that this missense variant is not expected to disrupt BRCA1 protein function with a negative predictive value of 80%. In summary, the available evidence is currently insufficient to determine the role of this variant in disease. Therefore, it has been classified as a Variant of Uncertain Significance.